The following is an entry in ClinVar:

NM_000203.5(IDUA):c.1174C>T (p.Leu392=)

Gene: IDUA (alpha-L-iduronidase; plus strand). Cytogenetic location: 4p16.3.
Variant type: single nucleotide variant.
Coding change: c.1174C>T on transcript NM_000203.5 (MANE Select); coding-DNA position 1174, C replaced by T.
Protein change: p.Leu392=; no amino-acid change (leucine 392 retained).
Molecular consequence: synonymous variant. On other transcripts: non-coding transcript variant (1).
Genome position (GRCh38, 1-based): chr4:1,002,470, C>T. VCF-style: chr4-1002470-C-T. GRCh37 (hg19) VCF-style: chr4-996258-C-T.
Other names: c.778C>T, p.Leu260= (NM_001363576.1).
Identifiers: ClinVar variation 350229 (VCV000350229.33), dbSNP rs201682298, ClinGen allele CA2802210.

ClinVar aggregate classification (germline): Benign/Likely benign. Review status: criteria provided, multiple submitters, no conflicts (2 of 4 stars). 12 submissions from 12 submitters: Benign (4); Likely benign (3). 5 of the submissions do not count toward it. Last evaluated 2026-02-04.

Conditions:
Mucopolysaccharidosis type 1. Also called: IDUA deficiency; MPS I; Mucopolysaccharidosis Type I. Identifiers: Orphanet 579, MedGen C0023786, MONDO:0001586.

Allele frequency attached by ClinVar (database versions not stated): 1000 Genomes Project 0.00479; 1000 Genomes Project 30x 0.00500; TOPMed 0.01097; gnomAD 0.01118 and 0.01139; gnomAD exomes 0.01188; ESP Exome Variant Server 0.01327; ExAC 0.01575.

Submissions (12):

Labcorp Genetics (formerly Invitae), Labcorp
Classification: Likely benign for Mucopolysaccharidosis type 1. Last evaluated: 2026-02-04. Review status: criteria provided, single submitter. Criteria: Invitae Variant Classification Sherloc (09022015). Collection method: clinical testing. Allele origin: germline.

GeneDx
Classification: Likely benign. Last evaluated: 2021-03-25. Review status: criteria provided, single submitter. Criteria: GeneDx Variant Classification Process June 2021. Collection method: clinical testing. Allele origin: germline. Affected: yes.

Broad Center for Mendelian Genomics, Broad Institute of MIT and Harvard
Classification: Benign for Mucopolysaccharidosis type 1. Last evaluated: 2020-01-13. Review status: criteria provided, single submitter. Criteria: ACMG Guidelines, 2015. Collection method: curation. Allele origin: germline. Inheritance: Autosomal recessive inheritance.
Comment: The c.1174C>T (p.Leu392=) variant in IDUA has not been previously reported in individuals with mucopolysaccharidosis but has been identified in 1.964% (1347/68572) of European (non-Finnish) chromosomes, including 14 homozygotes, by the Genome Aggregation Database (gnomAD; dbSNP rs201682298). This variant has also been reported in ClinVar (VariationID: 350229) as a VUS by Illumina Clinical Services Laboratory, likely benign by Mayo Clinical Testing Laboratories, and benign by EGL Genetic Diagnostics and Integrated Genetics. Computational prediction tools, including splice predictors, and conservation analyses suggest that this variant may not impact the protein, though this information is not predictive enough to rule out pathogenicity. In summary, this variant meets criteria to be classified as benign for mucopolysaccharidosis in an autosomal recessive manner based on its frequency in the general population and multiple reports of unaffected homozygotes. ACMG/AMP Criteria applied: BS1, BS2, BP4, BP7 (Richards 2015).

Women's Health and Genetics/Laboratory Corporation of America, LabCorp
Classification: Benign. Last evaluated: 2018-04-16. Review status: criteria provided, single submitter. Criteria: LabCorp Variant Classification Summary - May 2015. Collection method: clinical testing. Allele origin: germline.
Comment: Variant summary: IDUA c.1174C>T alters a non-conserved nucleotide resulting in a synonymous change. 5/5 computational tools predict no significant impact on normal splicing. However, these predictions have yet to be confirmed by functional studies. The variant allele was found at a frequency of 0.011 in 169258 control chromosomes in the gnomAD database, including 20 homozygotes. The observed variant frequency is approximately 4.26 fold of the estimated maximal expected allele frequency for a pathogenic variant in IDUA causing Mucopolysaccharidosis Type 1 phenotype (0.0027), strongly suggesting that the variant is benign. c.1174C>T has not been reported in the literature in individuals affected with Mucopolysaccharidosis Type 1, on the other hand it was reported to be found in healthy controls and described as a polymorphism (Bertola 2011, Scott 1995). To our knowledge, no experimental evidence demonstrating an impact on protein function has been reported. Two clinical diagnostic laboratories have submitted clinical-significance assessments for this variant to ClinVar after 2014 without evidence for independent evaluation; one of these laboratories classified the variant as benign, the other laboratory classified the variant as uncertain significance. Based on the evidence outlined above, the variant was classified as benign.

Illumina Laboratory Services, Illumina
Classification: Benign for Mucopolysaccharidosis type 1. Last evaluated: 2018-01-12. Review status: criteria provided, single submitter. Criteria: ICSL Variant Classification Criteria 13 December 2019. Collection method: clinical testing. Allele origin: germline.
Comment: This variant was observed in the ICSL laboratory as part of a predisposition screen in an ostensibly healthy population. It had not been previously curated by ICSL or reported in the Human Gene Mutation Database (HGMD: prior to June 1st, 2018), and was therefore a candidate for classification through an automated scoring system. Utilizing variant allele frequency, disease prevalence and penetrance estimates, and inheritance mode, an automated score was calculated to assess if this variant is too frequent to cause the disease. Based on the score and internal cut-off values, a variant classified as benign is not then subjected to further curation. The score for this variant resulted in a classification of benign for this disease.

Eurofins Ntd Llc (ga)
Classification: Benign. Last evaluated: 2017-02-03. Review status: criteria provided, single submitter. Criteria: EGL Classification Definitions 2015. Collection method: clinical testing. Allele origin: germline. Observed: 8 variant alleles, 8 heterozygotes.

Breakthrough Genomics
Classification: Likely benign. Review status: criteria provided, single submitter. Criteria: ACMG Guidelines, 2015. Collection method: not provided. Allele origin: germline. Inheritance: Autosomal recessive inheritance. Affected: yes.

Natera, Inc.
Classification: Benign for Mucopolysaccharidosis type I. Last evaluated: 2017-05-11. Review status: no assertion criteria provided. Collection method: clinical testing. Allele origin: germline. Not counted in ClinVar's aggregate classification.

Mayo Clinic Laboratories, Mayo Clinic
Classification: Likely benign. Last evaluated: 2017-04-18. Review status: no assertion criteria provided. Collection method: clinical testing. Allele origin: unknown. Not counted in ClinVar's aggregate classification.

Clinical Genetics, Academic Medical Center
Classification: Benign. Review status: no assertion criteria provided. Collection method: clinical testing. Allele origin: germline. Affected: yes. Study: VKGL Data-share Consensus. Not counted in ClinVar's aggregate classification.

Diagnostic Laboratory, Department of Genetics, University Medical Center Groningen
Classification: Likely benign. Review status: no assertion criteria provided. Collection method: clinical testing. Allele origin: germline. Affected: yes. Study: VKGL Data-share Consensus. Not counted in ClinVar's aggregate classification.

Joint Genome Diagnostic Labs from Nijmegen and Maastricht, Radboudumc and MUMC+
Classification: Benign. Review status: no assertion criteria provided. Collection method: clinical testing. Allele origin: germline. Affected: yes. Study: VKGL Data-share Consensus. Not counted in ClinVar's aggregate classification.

Literature cited by the submitters: PubMed 8680403 (cited by Broad Center for Mendelian Genomics, Broad Institute of MIT and Harvard and Women's Health and Genetics/Laboratory Corporation of America, LabCorp); PubMed 21394825 (cited by Broad Center for Mendelian Genomics, Broad Institute of MIT and Harvard and Women's Health and Genetics/Laboratory Corporation of America, LabCorp).